The following is an entry in ClinVar:

NM_000214.3(JAG1):c.2033A>G (p.Asn678Ser)

Gene: JAG1 (jagged canonical Notch ligand 1; minus strand). Cytogenetic location: 20p12.2.
Variant type: single nucleotide variant.
Coding change: c.2033A>G on transcript NM_000214.3 (MANE Select); coding-DNA position 2033, A replaced by G.
Protein change: p.Asn678Ser; replaces asparagine 678 with serine.
Molecular consequence: missense variant.
Genome position (GRCh38, 1-based): chr20:10,645,436, T>C on the plus strand (A>G on the coding strand, the complement: JAG1 is on the minus strand). VCF-style: chr20-10645436-T-C. GRCh37 (hg19) VCF-style: chr20-10626084-T-C.
Other names: short protein forms N678S.
Identifiers: ClinVar variation 5006353 (VCV005006353.2).

ClinVar aggregate classification (germline): Uncertain significance (1 of 4 stars; one submission).

Conditions:
Charcot-Marie-Tooth disease, axonal, Type 2HH. Also called: CHARCOT-MARIE-TOOTH NEUROPATHY, TYPE 2HH. Identifiers: MedGen C5562003, MONDO:0030458, OMIM 619574.
Tetralogy of Fallot (TOF). Identifiers: Orphanet 3303, MedGen C0039685, MONDO:0008542, OMIM 187500, HP:0001636.
Deafness, congenital heart defects, and posterior embryotoxon (DCHE). Identifiers: MedGen C1866053, MONDO:0060713, OMIM 617992.
Alagille syndrome due to a JAG1 point mutation. Also called: Alagille Syndrome 1; HEPATIC DUCTULAR HYPOPLASIA, SYNDROMATIC; JAG1-Related Alagille Syndrome. Identifiers: Orphanet 261619, Orphanet 52, MedGen C1956125, MONDO:0016862, OMIM 118450.

gnomAD v4.1: 3 of 1,613,728 alleles (0.00019%); highest among the groups gnomAD compares: Non-Finnish European, 0.00025%; no homozygotes.

Submission:

Juno Genomics, Hangzhou Juno Genomics, Inc
Classification: Uncertain significance for Tetralogy of Fallot; Deafness, congenital heart defects, and posterior embryotoxon; Alagille syndrome due to a JAG1 point mutation; Charcot-Marie-Tooth disease, axonal, Type 2HH. Review status: criteria provided, single submitter. Criteria: ACMG Guidelines, 2015. Collection method: clinical testing. Allele origin: germline.
Comment: Missense variant in a gene that has a low rate of benign missense variation.;Multiple lines of computational evidence support a deleterious effect on the gene or gene product.;Absent from controls (or at extremely low frequency if recessive) in Genome Aggregation Database.